The following is an entry in ClinVar:

NM_000089.4(COL1A2):c.586G>A (p.Gly196Ser)

Gene: COL1A2 (collagen type I alpha 2 chain; plus strand). Cytogenetic location: 7q21.3.
Variant type: single nucleotide variant.
Coding change: c.586G>A on transcript NM_000089.4 (MANE Select); coding-DNA position 586, G replaced by A.
Protein change: p.Gly196Ser; replaces glycine 196 with serine.
Molecular consequence: missense variant.
Genome position (GRCh38, 1-based): chr7:94,406,295, G>A. VCF-style: chr7-94406295-G-A. GRCh37 (hg19) VCF-style: chr7-94035607-G-A.
Other names: short protein forms G196S.
Identifiers: ClinVar variation 650767 (VCV000650767.12), dbSNP rs1057517953, ClinGen allele CA368220095.
Genomic context (GRCh38, chr7:94,406,295, plus strand): 5'-AGGCTTTCCTTTCAGGGACACAATGGTCTGGATGGATTGAAGGGACAGCCCGGTGCTCCT[G>A]GTGTGAAGGTAAATATTAAATTAGAAGCACTGTTTTTAAGCACTTGATTGAAATTCCCCA-3'
Protein context (NP_000080.2, residues 186-206): DGLKGQPGAP[Gly196Ser]VKGEPGAPGE

ClinVar aggregate classification (germline): Pathogenic (1 of 4 stars; one submission).

Conditions:
Osteogenesis imperfecta type I (OI1). Also called: OI, TYPE I; OSTEOGENESIS IMPERFECTA TARDA; OSTEOGENESIS IMPERFECTA WITH BLUE SCLERAE; Osteogenesis imperfecta type 1; Classic Non-deforming Osteogenesis Imperfecta with Blue Sclerae; Lobstein's Disease. Identifiers: Orphanet 216796, Orphanet 666, MedGen C0023931, MONDO:0008146, OMIM 166200. Disease mechanism: loss of function.
Ehlers-Danlos syndrome, classic type, 1 (EDSCL1). Also called: EDS I; EHLERS-DANLOS SYNDROME, GRAVIS TYPE; EHLERS-DANLOS SYNDROME, SEVERE CLASSIC TYPE; Ehlers-Danlos Syndrome, Classic Type, COL5A1-Related; Ehlers-Danlos syndrome, type 1. Identifiers: MedGen C0268335, MONDO:0019567, OMIM 130000.

Submission:

Labcorp Genetics (formerly Invitae), Labcorp
Classification: Pathogenic for Osteogenesis imperfecta type I; Ehlers-Danlos syndrome, classic type, 1. Last evaluated: 2025-09-23. Review status: criteria provided, single submitter. Criteria: Invitae Variant Classification Sherloc (09022015). Collection method: clinical testing. Allele origin: germline.
Comment: This sequence change replaces glycine, which is neutral and non-polar, with serine, which is neutral and polar, at codon 196 of the COL1A2 protein (p.Gly196Ser). This variant is not present in population databases (gnomAD no frequency). This missense change has been observed in individual(s) with COL1A2-related conditions (internal data). ClinVar contains an entry for this variant (Variation ID: 650767). Invitae Evidence Modeling of protein sequence and biophysical properties (such as structural, functional, and spatial information, amino acid conservation, physicochemical variation, residue mobility, and thermodynamic stability) indicates that this missense variant is expected to disrupt COL1A2 protein function with a positive predictive value of 95%. This variant disrupts the triple helix domain of COL1A2. Glycine residues within the Gly-Xaa-Yaa repeats of the triple helix domain are required for the structure and stability of fibrillar collagens (PMID: 7695699, 8218237, 19344236). In COL1A2, variants affecting these glycine residues are significantly enriched in individuals with disease (PMID: 9016532, 17078022) compared to the general population (ExAC). This variant disrupts the p.Gly196 amino acid residue in COL1A2. Other variant(s) that disrupt this residue have been observed in individuals with COL1A2-related conditions (PMID: 21667357, 22753364, 23692737), which suggests that this may be a clinically significant amino acid residue. For these reasons, this variant has been classified as Pathogenic.

Literature cited by the submitters: PubMed 7695699; PubMed 8218237; PubMed 19344236; PubMed 9016532; PubMed 17078022; PubMed 21667357; PubMed 22753364; PubMed 23692737.